The following is an entry in ClinVar:

ClinVar aggregate classification (germline): Uncertain significance (1 of 4 stars; one submission).

Conditions:
Koolen-de Vries syndrome (KDVS). Identifiers: Orphanet 96169, MedGen C1864871, MONDO:0012496, OMIM 610443.

Allele frequency attached by ClinVar (database versions not stated): TOPMed 0.00001; gnomAD exomes 0.00005; ExAC 0.00007.
gnomAD v4.1: 28 of 1,612,688 alleles (0.0017%); highest among the groups gnomAD compares: South Asian, 0.031%; no homozygotes.

Submission:

Labcorp Genetics (formerly Invitae), Labcorp
Classification: Uncertain significance for Koolen-de Vries syndrome. Last evaluated: 2024-10-16. Review status: criteria provided, single submitter. Criteria: Invitae Variant Classification Sherloc (09022015). Collection method: clinical testing. Allele origin: germline.
Comment: This sequence change replaces threonine, which is neutral and polar, with alanine, which is neutral and non-polar, at codon 622 of the KANSL1 protein (p.Thr622Ala). This variant is present in population databases (rs567178302, gnomAD 0.04%), and has an allele count higher than expected for a pathogenic variant. This variant has not been reported in the literature in individuals affected with KANSL1-related conditions. ClinVar contains an entry for this variant (Variation ID: 837814). Invitae Evidence Modeling of protein sequence and biophysical properties (such as structural, functional, and spatial information, amino acid conservation, physicochemical variation, residue mobility, and thermodynamic stability) indicates that this missense variant is not expected to disrupt KANSL1 protein function with a negative predictive value of 80%. In summary, the available evidence is currently insufficient to determine the role of this variant in disease. Therefore, it has been classified as a Variant of Uncertain Significance.

NM_015443.4(KANSL1):c.1864A>G (p.Thr622Ala)

Gene: KANSL1 (KAT8 regulatory NSL complex subunit 1). Cytogenetic location: 17q21.31.
Variant type: single nucleotide variant.
Coding change: c.1864A>G on transcript NM_015443.4 (MANE Select); coding-DNA position 1864, A replaced by G.
Protein change: p.Thr622Ala; replaces threonine 622 with alanine.
Molecular consequence: missense variant.
Genome position (GRCh38, 1-based): chr17:46,050,689, T>C on the plus strand (A>G on the coding strand, the complement: KANSL1 is on the minus strand). VCF-style: chr17-46050689-T-C. GRCh37 (hg19) VCF-style: chr17-44128055-T-C.
Other names: c.1864A>G, p.Thr622Ala (NM_001193465.2, NM_001193466.2, NM_001379198.1); short protein forms T622A.
Identifiers: ClinVar variation 837814 (VCV000837814.9), dbSNP rs567178302, ClinGen allele CA8618694.